The following is an entry in ClinVar:

ClinVar aggregate classification (germline): Uncertain significance. Review status: criteria provided, multiple submitters, no conflicts (2 of 4 stars). 3 submissions from 3 submitters: Uncertain significance (2). 1 of the submissions does not count toward it. Last evaluated 2023-06-06.

Conditions:
CRB2-related disorder. Also called: CRB2-related condition; CRB2-related disorders.

Allele frequency attached by ClinVar (database versions not stated): gnomAD exomes 0.00001; TOPMed 0.00001; gnomAD 0.00002.
gnomAD v4.1: 6 of 1,549,250 alleles (0.00039%); highest among the groups gnomAD compares: South Asian, 0.0024%; no homozygotes.

Submissions (3):

PreventionGenetics, part of Exact Sciences
Classification: Uncertain significance for CRB2-related condition. Last evaluated: 2023-06-06. Review status: criteria provided, single submitter. Criteria: ACMG Guidelines, 2015. Collection method: clinical testing. Allele origin: germline.
Comment: The CRB2 c.3382C>T variant is predicted to result in the amino acid substitution p.Arg1128Cys. To our knowledge, this variant has not been reported in the literature. This variant is reported in 0.0018% of alleles in individuals of European (Non-Finnish) descent in gnomAD. At this time, the clinical significance of this variant is uncertain due to the absence of conclusive functional and genetic evidence.

Blueprint Genetics
Classification: Uncertain significance. Last evaluated: 2023-05-31. Review status: criteria provided, single submitter. Criteria: ACMG Guidelines, 2015. Collection method: clinical testing. Allele origin: germline.

Genetic Services Laboratory, University of Chicago
Classification: Uncertain significance. Last evaluated: 2022-05-27. Review status: no assertion criteria provided. Collection method: clinical testing. Allele origin: germline. Affected: no. Not counted in ClinVar's aggregate classification.
Comment: DNA sequence analysis of the CRB2 gene demonstrated a sequence change, c.3382C>T, in exon 10 that results in an amino acid change, p.Arg1128Cys. This sequence change has been described in the gnomAD database in one individual (dbSNP rs1400614812). The p.Arg1128Cys change affects a moderately conserved amino acid residue located in a domain of the CRB2 protein that is known to be functional. In-silico pathogenicity prediction tools (SIFT, PolyPhen2, Align GVGD, REVEL) provide contradictory results for the p.Arg1128Cys substitution. This sequence change does not appear to have been previously described in individuals with CRB2-related disorders. Due to insufficient evidences and the lack of functional studies, the clinical significance of the p.Arg1128Cys change remains unknown at this time.

NM_173689.7(CRB2):c.3382C>T (p.Arg1128Cys)

Gene: CRB2 (crumbs cell polarity complex component 2; plus strand). Cytogenetic location: 9q33.3.
Variant type: single nucleotide variant.
Coding change: c.3382C>T on transcript NM_173689.7 (MANE Select); coding-DNA position 3382, C replaced by T.
Protein change: p.Arg1128Cys; replaces arginine 1128 with cysteine.
Molecular consequence: missense variant. On other transcripts: non-coding transcript variant (1).
Genome position (GRCh38, 1-based): chr9:123,373,913, C>T. VCF-style: chr9-123373913-C-T. GRCh37 (hg19) VCF-style: chr9-126136192-C-T.
Other names: c.3382C>T (NM_173689.6); short protein forms R1128C.
Identifiers: ClinVar variation 2443098 (VCV002443098.4), dbSNP rs1400614812, ClinGen allele CA374868597.